The following is an entry in ClinVar:

ClinVar aggregate classification (germline): Uncertain significance. Review status: criteria provided, multiple submitters, no conflicts (2 of 4 stars). 2 submissions from 2 submitters: Uncertain significance (2). Last evaluated 2025-08-17.

Conditions:
Facioscapulohumeral muscular dystrophy 2 (FSHD2). Also called: MUSCULAR DYSTROPHY, FACIOSCAPULOHUMERAL, TYPE 1B; FACIOSCAPULOHUMERAL MUSCULAR DYSTROPHY 2, DIGENIC; FSHD2, DIGENIC. Identifiers: Orphanet 269, MedGen C1834671, MONDO:0008031, OMIM 158901.

Allele frequency attached by ClinVar (database versions not stated): gnomAD exomes 0.00001; gnomAD 0.00002 and 0.00003; TOPMed 0.00002; 1000 Genomes Project 30x 0.00016; 1000 Genomes Project 0.00020.

Submissions (2):

Labcorp Genetics (formerly Invitae), Labcorp
Classification: Uncertain significance for Facioscapulohumeral muscular dystrophy 2. Last evaluated: 2025-08-17. Review status: criteria provided, single submitter. Criteria: Invitae Variant Classification Sherloc (09022015). Collection method: clinical testing. Allele origin: germline.
Comment: This sequence change replaces methionine, which is neutral and non-polar, with valine, which is neutral and non-polar, at codon 1155 of the SMCHD1 protein (p.Met1155Val). The frequency data for this variant in the population databases is considered unreliable, as metrics indicate poor data quality at this position in the gnomAD database. This variant has not been reported in the literature in individuals affected with SMCHD1-related conditions. ClinVar contains an entry for this variant (Variation ID: 1021638). Invitae Evidence Modeling of protein sequence and biophysical properties (such as structural, functional, and spatial information, amino acid conservation, physicochemical variation, residue mobility, and thermodynamic stability) indicates that this missense variant is not expected to disrupt SMCHD1 protein function with a negative predictive value of 80%. In summary, the available evidence is currently insufficient to determine the role of this variant in disease. Therefore, it has been classified as a Variant of Uncertain Significance.

Revvity Omics, Revvity
Classification: Uncertain significance. Last evaluated: 2025-01-23. Review status: criteria provided, single submitter. Criteria: ACMG Guidelines, 2015. Collection method: clinical testing. Allele origin: germline.

NM_015295.3(SMCHD1):c.3463A>G (p.Met1155Val)

Gene: SMCHD1 (structural maintenance of chromosomes flexible hinge domain containing 1; plus strand). Cytogenetic location: 18p11.32.
Variant type: single nucleotide variant.
Coding change: c.3463A>G on transcript NM_015295.3 (MANE Select); coding-DNA position 3463, A replaced by G.
Protein change: p.Met1155Val; replaces methionine 1155 with valine.
Molecular consequence: missense variant.
Genome position (GRCh38, 1-based): chr18:2,739,469, A>G. VCF-style: chr18-2739469-A-G. GRCh37 (hg19) VCF-style: chr18-2739467-A-G.
Other names: c.3463A>G (NM_015295.2); short protein forms M1155V.
Identifiers: ClinVar variation 1021638 (VCV001021638.10), dbSNP rs559928798, ClinGen allele CA295476642.